The following is an entry in ClinVar:

NM_000069.3(CACNA1S):c.4678C>A (p.Arg1560=)

Gene: CACNA1S (calcium voltage-gated channel subunit alpha1 S; minus strand). Cytogenetic location: 1q32.1.
Variant type: single nucleotide variant.
Coding change: c.4678C>A on transcript NM_000069.3 (MANE Select); coding-DNA position 4678, C replaced by A.
Protein change: p.Arg1560=; no amino-acid change (arginine 1560 retained).
Molecular consequence: synonymous variant.
Genome position (GRCh38, 1-based): chr1:201,044,447, G>T on the plus strand (C>A on the coding strand, the complement: CACNA1S is on the minus strand). VCF-style: chr1-201044447-G-T. GRCh37 (hg19) VCF-style: chr1-201013575-G-T.
Identifiers: ClinVar variation 3386293 (VCV003386293.1).

ClinVar aggregate classification (germline): Likely benign (1 of 4 stars; one submission).

Conditions:
Malignant hyperthermia, susceptibility to, 5 (MHS5). Also called: CACNA1S-Related Malignant Hyperthermia Susceptibility. Identifiers: Orphanet 423, MedGen C1866077, MONDO:0011163, OMIM 601887.

gnomAD v4.1: 1 of 1,612,424 alleles (0.000062%); highest among the groups gnomAD compares: Non-Finnish European, 0.000085%; no homozygotes.

Submission:

All of Us Research Program, National Institutes of Health
Classification: Likely benign for Malignant hyperthermia, susceptibility to, 5. Last evaluated: 2024-02-22. Review status: criteria provided, single submitter. Criteria: ACMG Guidelines, 2015. Collection method: clinical testing. Allele origin: germline. Inheritance: Autosomal dominant inheritance. Observed: 1 variant allele, 1 heterozygote.
Comment: This study involves interpretation of variants in research participants for the purpose of population health screening. Participant phenotype was not available at the time of variant classification. Additional details can be found in publication PMID: 35346344, PMCID: PMC8962531